The following is an entry in ClinVar:

ClinVar aggregate classification (germline): Pathogenic/Likely pathogenic. Review status: criteria provided, multiple submitters, no conflicts (2 of 4 stars). 2 submissions from 2 submitters: Pathogenic (1); Likely pathogenic (1). Last evaluated 2025-04-27.

Conditions:
Hereditary spastic paraplegia 4. Also called: Spastic paraplegia 4, autosomal dominant; Familial spastic paraplegia autosomal dominant 2; Spastic Paraplegia 4. Identifiers: Orphanet 100985, MedGen C1866855, MONDO:0008438, OMIM 182601.

Submissions (2):

Labcorp Genetics (formerly Invitae), Labcorp
Classification: Pathogenic for Hereditary spastic paraplegia 4. Last evaluated: 2025-04-27. Review status: criteria provided, single submitter. Criteria: Invitae Variant Classification Sherloc (09022015). Collection method: clinical testing. Allele origin: germline.
Comment: This sequence change replaces arginine, which is basic and polar, with serine, which is neutral and polar, at codon 498 of the SPAST protein (p.Arg498Ser). This variant is not present in population databases (gnomAD no frequency). This missense change has been observed in individual(s) with hereditary spastic paraplegia (PMID: 26671083, 36139378; internal data). In at least one individual the variant was observed to be de novo. ClinVar contains an entry for this variant (Variation ID: 3571526). An algorithm developed to predict the effect of missense changes on protein structure and function (PolyPhen-2) suggests that this variant is likely to be tolerated. Algorithms developed to predict the effect of sequence changes on RNA splicing suggest that this variant may disrupt the consensus splice site. For these reasons, this variant has been classified as Pathogenic.

Athena Diagnostics
Classification: Likely pathogenic. Last evaluated: 2024-04-22. Review status: criteria provided, single submitter. Criteria: Athena Diagnostics Criteria. Collection method: clinical testing. Allele origin: unknown.
Comment: This variant has not been reported in large, multi-ethnic general populations. This variant has been identified in at least one individual with clinical features associated with this gene. Polyphen and MutationTaster predict this amino acid change may be damaging to the protein. The variant is located in a region that is considered important for protein function and/or structure. At least one other missense variant at this codon is considered to be pathogenic or likely pathogenic, suggesting this variant may also cause disease.

Literature cited by the submitters: PubMed 26671083 (cited by Labcorp Genetics (formerly Invitae), Labcorp and Athena Diagnostics); PubMed 36139378 (cited by Labcorp Genetics (formerly Invitae), Labcorp and Athena Diagnostics); PubMed 31285604 (cited by Athena Diagnostics).

NM_014946.4(SPAST):c.1494G>T (p.Arg498Ser)

Gene: SPAST (spastin; plus strand). Cytogenetic location: 2p22.3.
Variant type: single nucleotide variant.
Coding change: c.1494G>T on transcript NM_014946.4 (MANE Select); coding-DNA position 1494, G replaced by T.
Protein change: p.Arg498Ser; replaces arginine 498 with serine.
Molecular consequence: missense variant.
Genome position (GRCh38, 1-based): chr2:32,141,904, G>T. VCF-style: chr2-32141904-G-T. GRCh37 (hg19) VCF-style: chr2-32366973-G-T.
Other names: c.1491G>T, p.Arg497Ser (NM_001363823.2); c.1395G>T, p.Arg465Ser (NM_001363875.2); c.1398G>T, p.Arg466Ser (NM_001377959.1, NM_199436.2); short protein forms R498S, R465S, R466S, R497S.
Identifiers: ClinVar variation 3571526 (VCV003571526.2).